The following is an entry in ClinVar:

NM_001429.4(EP300):c.6921G>A (p.Val2307=)

Gene: EP300 (EP300 lysine acetyltransferase; plus strand). Cytogenetic location: 22q13.2.
Variant type: single nucleotide variant.
Coding change: c.6921G>A on transcript NM_001429.4 (MANE Select); coding-DNA position 6921, G replaced by A.
Protein change: p.Val2307=; no amino-acid change (valine 2307 retained).
Molecular consequence: synonymous variant.
Genome position (GRCh38, 1-based): chr22:41,178,632, G>A. VCF-style: chr22-41178632-G-A. GRCh37 (hg19) VCF-style: chr22-41574636-G-A.
Other names: c.6843G>A, p.Val2281= (NM_001362843.2); c.6921G>A (NM_001429.3).
Identifiers: ClinVar variation 2808041 (VCV002808041.4), dbSNP rs1239603966, ClinGen allele CA514795344.

ClinVar aggregate classification (germline): Benign/Likely benign. Review status: criteria provided, multiple submitters, no conflicts (2 of 4 stars). 2 submissions from 2 submitters: Benign (1); Likely benign (1). Last evaluated 2025-02-10.

Conditions:
EP300-related disorder. Also called: EP300-related disorders; EP300-related condition.
Rubinstein-Taybi syndrome due to EP300 haploinsufficiency. Also called: EP300-Related Rubinstein-Taybi Syndrome; RUBINSTEIN-TAYBI SYNDROME 2. Identifiers: Orphanet 353284, Orphanet 783, MedGen C3150941, MONDO:0013364, OMIM 613684.

Allele frequency attached by ClinVar (database versions not stated): gnomAD 0.00001; TOPMed 0.00001; gnomAD exomes 0.00002.
gnomAD v4.1: 12 of 1,613,904 alleles (0.00074%); highest among the groups gnomAD compares: Admixed American, 0.013%; no homozygotes.

Submissions (2):

PreventionGenetics, part of Exact Sciences
Classification: Likely benign for EP300-related condition. Last evaluated: 2025-02-10. Review status: criteria provided, single submitter. Criteria: ACMG Guidelines, 2015. Collection method: clinical testing. Allele origin: germline.
Comment: This variant is classified as likely benign based on ACMG/AMP sequence variant interpretation guidelines (Richards et al. 2015 PMID: 25741868, with internal and published modifications).

Labcorp Genetics (formerly Invitae), Labcorp
Classification: Benign for Rubinstein-Taybi syndrome due to EP300 haploinsufficiency. Last evaluated: 2023-09-19. Review status: criteria provided, single submitter. Criteria: Invitae Variant Classification Sherloc (09022015). Collection method: clinical testing. Allele origin: germline.